The following is an entry in ClinVar:

ClinVar aggregate classification (germline): Pathogenic/Likely pathogenic. Review status: criteria provided, multiple submitters, no conflicts (2 of 4 stars). 7 submissions from 7 submitters: Pathogenic (2); Likely pathogenic (3). 2 of the submissions do not count toward it. Last evaluated 2026-07-01.

Conditions:
Familial thoracic aortic aneurysm and aortic dissection (TAAD). Also called: Thoracic aortic aneurysms and dissections. Identifiers: Orphanet 91387, MedGen C4707243, MONDO:0019625.
Cardiac valvular dysplasia, X-linked (CVDPX). Also called: FLNA-Related X-linked Cardiac Valvular Dysplasia; VALVULAR HEART DISEASE, CONGENITAL; Congenital valvular dysplasia; Isolated X-Linked Cardiac Valvular Dysplasia; MYXOMATOUS VALVULAR DYSTROPHY, X-LINKED. Identifiers: Orphanet 1864, Orphanet 555877, Orphanet 75497, MedGen C0262436, MONDO:0010753, OMIM 314400.
Oto-palato-digital syndrome, type II (OPD2). Also called: Otopalatodigital Syndrome, Type II; OPD II SYNDROME; Otopalatodigital Syndrome Type 2 (FLNA-OPD2); FACIOPALATOOSSEOUS SYNDROME. Identifiers: Orphanet 669, Orphanet 90652, MedGen C1844696, MONDO:0010571, OMIM 304120.
Frontometaphyseal dysplasia (FMD1). Identifiers: Orphanet 1826, MedGen C0265293, MONDO:0015942.
Heterotopia, periventricular, X-linked dominant (PVNH1). Also called: PERIVENTRICULAR NODULAR HETEROTOPIA 1; X-linked periventricular heterotopia; PERIVENTRICULAR NODULAR HETEROTOPIA 4; HETEROTOPIA, PERIVENTRICULAR, 1. Identifiers: Orphanet 2149, Orphanet 82004, MedGen C1848213, MONDO:0010233, OMIM 300049.
Melnick-Needles syndrome (MNS). Also called: OSTEODYSPLASTY OF MELNICK AND NEEDLES; Melnick-Needles Syndrome (FLNA-MNS); MELNICK-NEEDLES OSTEODYSPLASTY. Identifiers: Orphanet 2484, MedGen C0025237, MONDO:0010650, OMIM 309350.

Submissions (7):

CeGaT Center for Human Genetics Tuebingen
Classification: Likely pathogenic. Last evaluated: 2026-07-01. Review status: criteria provided, single submitter. Criteria: CeGaT Center For Human Genetics Tuebingen Variant Classification Criteria Version 2. Collection method: clinical testing. Allele origin: germline. Affected: yes. Observed: 1 variant allele.
Comment: FLNA: PP1:Strong, PM2, PP3, PS4:Supporting

Labcorp Genetics (formerly Invitae), Labcorp
Classification: Pathogenic for Oto-palato-digital syndrome, type II; Heterotopia, periventricular, X-linked dominant; Frontometaphyseal dysplasia; Melnick-Needles syndrome. Last evaluated: 2025-04-02. Review status: criteria provided, single submitter. Criteria: Invitae Variant Classification Sherloc (09022015). Collection method: clinical testing. Allele origin: germline.
Comment: This sequence change replaces glycine, which is neutral and non-polar, with arginine, which is basic and polar, at codon 1554 of the FLNA protein (p.Gly1554Arg). This variant is not present in population databases (gnomAD no frequency). This missense change has been observed in individual(s) with cardiac valvular dysplasia, including tricuspid valve abnormalities and Ebstein anomaly, and skeletal dysplasia, including joint contractures, stiffness, digital abnormalities and/or cleft palate (PMID: 29237676, 37586840, 37745857, 39704215). It has also been observed to segregate with disease in related individuals. ClinVar contains an entry for this variant (Variation ID: 635975). Invitae Evidence Modeling of protein sequence and biophysical properties (such as structural, functional, and spatial information, amino acid conservation, physicochemical variation, residue mobility, and thermodynamic stability) has been performed for this missense variant. However, the output from this modeling did not meet the statistical confidence thresholds required to predict the impact of this variant on FLNA protein function. For these reasons, this variant has been classified as Pathogenic.

Ambry Genetics
Classification: Pathogenic for Familial thoracic aortic aneurysm and aortic dissection. Last evaluated: 2024-07-30. Review status: criteria provided, single submitter. Criteria: Ambry Variant Classification Scheme 2023. Collection method: clinical testing. Allele origin: germline.
Comment: The c.4660G>A (p.G1554R) alteration is located in exon 28 (coding exon 27) of the FLNA gene. This alteration results from a G to A substitution at nucleotide position 4660, causing the glycine (G) at amino acid position 1554 to be replaced by an arginine (R). for X-linked dominant FLNA-related otopalatodigital spectrum disorders; however, its clinical significance for X-linked dominant FLNA-related periventricular nodular heterotopia and X-linked recessive FLNA-related cardiac valvular dysplasia is uncertain This variant was not reported in population-based cohorts in the Genome Aggregation Database (gnomAD). Additionally, this variant has been determined to be the result of a de novo mutation in a fetus with cleft lip and palate and bilateral multicystic dysplastic kidneys (Yan, 2023). This amino acid position is highly conserved in available vertebrate species. This alteration is predicted to be deleterious by in silico analysis. Based on the available evidence, this alteration is classified as pathogenic.

Equipe Genetique des Anomalies du Developpement, Université de Bourgogne
Classification: Likely pathogenic for Cardiac valvular dysplasia, X-linked. Last evaluated: 2018-05-16. Review status: criteria provided, single submitter. Criteria: ACMG Guidelines, 2015. Collection method: clinical testing. Allele origin: maternal. Affected: yes.

Clinical Genetics and Genomics, Karolinska University Hospital
Classification: Likely pathogenic. Last evaluated: 2017-10-12. Review status: criteria provided, single submitter. Criteria: ACMG Guidelines, 2015. Collection method: clinical testing. Allele origin: germline. Affected: yes. Observed: 1 variant allele.

OMIM
Classification: Pathogenic for CARDIAC VALVULAR DYSPLASIA, X-LINKED. Last evaluated: 2025-10-08. Review status: no assertion criteria provided. Collection method: literature only. Allele origin: germline. Not counted in ClinVar's aggregate classification.

Solve-RD Consortium
Classification: Likely pathogenic for Cardiac valvular dysplasia, X-linked. Last evaluated: 2022-06-01. Review status: no assertion criteria provided. Collection method: provider interpretation. Allele origin: inherited. Affected: yes. Not counted in ClinVar's aggregate classification.
Comment: Variant confirmed as disease-causing by referring clinical team

Variant identified during reanalysis of unsolved cases by the Solve-RD project. The Solve-RD project has received funding from the European Union’s Horizon 2020 research and innovation programme under grant agreement No 779257.

Literature cited by the submitters: PubMed 29237676 (cited by 3 submitters); PubMed 37586840 (cited by Labcorp Genetics (formerly Invitae), Labcorp); PubMed 37745857 (cited by Labcorp Genetics (formerly Invitae), Labcorp and Ambry Genetics); PubMed 39704215 (cited by Labcorp Genetics (formerly Invitae), Labcorp); PubMed 1854572 (cited by OMIM); PubMed 39825153 (cited by Solve-RD Consortium).

NM_001110556.2(FLNA):c.4660G>A (p.Gly1554Arg)

Gene: FLNA (filamin A; minus strand). Cytogenetic location: Xq28.
Variant type: single nucleotide variant.
Coding change: c.4660G>A on transcript NM_001110556.2 (MANE Select); coding-DNA position 4660, G replaced by A.
Protein change: p.Gly1554Arg; replaces glycine 1554 with arginine.
Molecular consequence: missense variant.
Genome position (GRCh38, 1-based): chrX:154,358,294, C>T on the plus strand (G>A on the coding strand, the complement: FLNA is on the minus strand). VCF-style: chrX-154358294-C-T. GRCh37 (hg19) VCF-style: chrX-153586662-C-T.
Other names: c.4660G>A, p.Gly1554Arg (NM_001456.4); short protein forms G1554R.
Identifiers: ClinVar variation 635975 (VCV000635975.8), dbSNP rs1603360542, ClinGen allele CA415214889.